The following is an entry in ClinVar:

ClinVar aggregate classification (germline): Likely pathogenic (1 of 4 stars; one submission).

Conditions:
Cardiovascular phenotype. Identifiers: MedGen CN230736.

Submission:

Ambry Genetics
Classification: Likely pathogenic for Cardiovascular phenotype. Last evaluated: 2023-08-14. Review status: criteria provided, single submitter. Criteria: Ambry Variant Classification Scheme 2023. Collection method: clinical testing. Allele origin: germline.
Comment: The c.17645delC variant, located in coding exon 70 of the TTN gene, results from a deletion of one nucleotide at nucleotide position 17645, causing a translational frameshift with a predicted alternate stop codon (p.P5882Hfs*69). This exon is located in the I-band region of the N2-B isoform of the titin protein and is constitutively expressed in TTN transcripts (percent spliced in or PSI 100%). This variant is considered to be rare based on population cohorts in the Genome Aggregation Database (gnomAD). This alteration is expected to result in loss of function by premature protein truncation or nonsense-mediated mRNA decay. While truncating variants in TTN are present in 1-3% of the general population, truncating variants in the A-band are the most common cause of dilated cardiomyopathy (DCM) (Herman DS et al. N. Engl. J. Med., 2012 Feb;366:619-28; Roberts AM et al. Sci Transl Med, 2015 Jan;7:270ra6). TTN truncating variants encoded in constitutive exons (PSI >90%) have been found to be significantly associated with DCM regardless of their position in titin (Schafer S et al. Nat. Genet., 2017 01;49:46-53). Based on the majority of available evidence to date, this variant is likely to be pathogenic.

NM_001267550.2(TTN):c.44840del (p.Pro14947fs)

Gene: TTN (titin; minus strand). Cytogenetic location: 2q31.2.
Variant type: Deletion.
Coding change: c.44840del on transcript NM_001267550.2 (MANE Select); coding-DNA position 44840, one base deleted (C; older notation c.44840delC).
Protein change: p.Pro14947fs; shifts the reading frame from proline 14947.
Molecular consequence: frameshift variant.
Genome position (GRCh38, 1-based): chr2:178,622,743, G deleted on the plus strand (C on the coding strand, the reverse complement: TTN is on the minus strand); the first of 2 consecutive G bases (chr2:178,622,743-178,622,744); deleting either gives the same sequence. VCF-style (leftmost placement, unchanged base first): chr2-178622742-TG-T. GRCh37 (hg19) VCF-style: chr2-179487469-TG-T.
Other names: c.39917del, p.Pro13306fs (NM_001256850.1); c.17645del, p.Pro5882fs (NM_003319.4); c.37136del, p.Pro12379fs (NM_133378.4); c.18020del, p.Pro6007fs (NM_133432.3); c.18221del, p.Pro6074fs (NM_133437.4); c.17645delC (NM_003319.4); short protein forms P13306fs, P14947fs, P12379fs, P6007fs, P6074fs, P5882fs.
Identifiers: ClinVar variation 2586562 (VCV002586562.2), dbSNP rs2471101226, ClinGen allele CA2582341684.
Genomic context (GRCh38, chr2:178,622,742, plus strand): 5'-TCGGGAAAGTTCACACTCAAATCGAGCCATTTCTTTTTCTCTAACTTGAAGGTCGGTGAG[TG>T]GTCTTAAGAATTCCACATGAGGAGCTGTAAGAGAATGTCATCAGAATTCAAAATGAGGTT-3'